The following is an entry in ClinVar:

NM_014714.4(IFT140):c.2425C>T (p.Arg809Cys)

Gene: IFT140 (intraflagellar transport 140; minus strand). Cytogenetic location: 16p13.3.
Variant type: single nucleotide variant.
Coding change: c.2425C>T on transcript NM_014714.4 (MANE Select); coding-DNA position 2425, C replaced by T.
Protein change: p.Arg809Cys; replaces arginine 809 with cysteine.
Molecular consequence: missense variant.
Genome position (GRCh38, 1-based): chr16:1,526,771, G>A on the plus strand (C>T on the coding strand, the complement: IFT140 is on the minus strand). VCF-style: chr16-1526771-G-A. GRCh37 (hg19) VCF-style: chr16-1576772-G-A.
Other names: c.2425C>T (NM_014714.3); short protein forms R809C.
Identifiers: ClinVar variation 1361276 (VCV001361276.8), dbSNP rs755748472, ClinGen allele CA7813630.

ClinVar aggregate classification (germline): Uncertain significance. Review status: criteria provided, multiple submitters, no conflicts (2 of 4 stars). 3 submissions from 3 submitters: Uncertain significance (3). Last evaluated 2025-09-01.

Conditions:
IFT140-related disorder. Also called: IFT140-related condition.
Retinitis pigmentosa 80 (RP80). Identifiers: MedGen C4540439, MONDO:0054708, OMIM 617781.
Saldino-Mainzer syndrome (SRTD9). Also called: Renal dysplasia, retinal pigmentary dystrophy, cerebellar ataxia and skeletal dysplasia; short-rib thoracic dysplasia 9 with or without polydactyly; SHORT-RIB THORACIC DYSPLASIA 9 WITHOUT POLYDACTYLY; CONORENAL SYNDROME. Identifiers: Orphanet 140969, MedGen C1849437, MONDO:0009964, OMIM 266920.

Allele frequency attached by ClinVar (database versions not stated): gnomAD exomes 0.00001 and 0.00002; ExAC 0.00003; gnomAD 0.00003.
gnomAD v4.1: 20 of 1,610,324 alleles (0.0012%); highest among the groups gnomAD compares: African/African-American, 0.0027%; no homozygotes.

Submissions (3):

Labcorp Genetics (formerly Invitae), Labcorp
Classification: Uncertain significance for Saldino-Mainzer syndrome. Last evaluated: 2025-09-01. Review status: criteria provided, single submitter. Criteria: Invitae Variant Classification Sherloc (09022015). Collection method: clinical testing. Allele origin: germline.
Comment: This sequence change replaces arginine, which is basic and polar, with cysteine, which is neutral and slightly polar, at codon 809 of the IFT140 protein (p.Arg809Cys). The frequency data for this variant in the population databases is considered unreliable, as metrics indicate poor data quality at this position in the gnomAD database. This variant has not been reported in the literature in individuals affected with IFT140-related conditions. ClinVar contains an entry for this variant (Variation ID: 1361276). Invitae Evidence Modeling of protein sequence and biophysical properties (such as structural, functional, and spatial information, amino acid conservation, physicochemical variation, residue mobility, and thermodynamic stability) has been performed for this missense variant. However, the output from this modeling did not meet the statistical confidence thresholds required to predict the impact of this variant on IFT140 protein function. In summary, the available evidence is currently insufficient to determine the role of this variant in disease. Therefore, it has been classified as a Variant of Uncertain Significance.

PreventionGenetics, part of Exact Sciences
Classification: Uncertain significance for IFT140-related condition. Last evaluated: 2025-04-23. Review status: criteria provided, single submitter. Criteria: ACMG Guidelines, 2015. Collection method: clinical testing. Allele origin: germline.
Comment: The IFT140 c.2425C>T variant is predicted to result in the amino acid substitution p.Arg809Cys. To our knowledge, this variant has not been reported in the literature. This variant is reported in 0.0056% of alleles in individuals of East Asian descent in gnomAD. At this time, the clinical significance of this variant is uncertain due to the absence of conclusive functional and genetic evidence.

Fulgent Genetics
Classification: Uncertain significance for Saldino-Mainzer syndrome; Retinitis pigmentosa 80. Last evaluated: 2022-03-08. Review status: criteria provided, single submitter. Criteria: ACMG Guidelines, 2015. Collection method: clinical testing. Allele origin: unknown.